The following is an entry in ClinVar:

ClinVar aggregate classification (germline): Uncertain significance. Review status: criteria provided, multiple submitters, no conflicts (2 of 4 stars). 4 submissions from 4 submitters: Uncertain significance (4). Last evaluated 2026-06-17.

Conditions:
Inborn genetic diseases. Identifiers: MedGen C0950123, MeSH D030342.

Allele frequency attached by ClinVar (database versions not stated): TOPMed 0.00028; gnomAD exomes 0.00061 and 0.00049; ESP Exome Variant Server 0.00017; ExAC 0.00074; 1000 Genomes Project 30x 0.00016; gnomAD 0.00043 and 0.00042; 1000 Genomes Project 0.00020.
gnomAD v4.1: 766 of 1,613,438 alleles (0.047%); highest among the groups gnomAD compares: East Asian, 0.11%; 1 homozygote.

Submissions (4):

GeneDx
Classification: Uncertain significance. Last evaluated: 2026-06-17. Review status: criteria provided, single submitter. Criteria: GeneDx Variant Classification Process June 2021. Collection method: clinical testing. Allele origin: germline.
Comment: In silico analysis supports that this missense variant has a deleterious effect on protein structure/function; Has not been previously published as pathogenic or benign to our knowledge

Labcorp Genetics (formerly Invitae), Labcorp
Classification: Uncertain significance. Last evaluated: 2024-01-25. Review status: criteria provided, single submitter. Criteria: Invitae Variant Classification Sherloc (09022015). Collection method: clinical testing. Allele origin: germline.
Comment: This sequence change replaces proline, which is neutral and non-polar, with leucine, which is neutral and non-polar, at codon 752 of the RTTN protein (p.Pro752Leu). This variant is present in population databases (rs35424122, gnomAD 0.1%), including at least one homozygous and/or hemizygous individual. This variant has not been reported in the literature in individuals affected with RTTN-related conditions. ClinVar contains an entry for this variant (Variation ID: 436600). Advanced modeling of protein sequence and biophysical properties (such as structural, functional, and spatial information, amino acid conservation, physicochemical variation, residue mobility, and thermodynamic stability) has been performed at Invitae for this missense variant, however the output from this modeling did not meet the statistical confidence thresholds required to predict the impact of this variant on RTTN protein function. In summary, the available evidence is currently insufficient to determine the role of this variant in disease. Therefore, it has been classified as a Variant of Uncertain Significance.

Ambry Genetics
Classification: Uncertain significance for Inborn genetic diseases. Last evaluated: 2023-12-11. Review status: criteria provided, single submitter. Criteria: Ambry Variant Classification Scheme 2023. Collection method: clinical testing. Allele origin: germline.

Genetic Services Laboratory, University of Chicago
Classification: Uncertain significance. Last evaluated: 2016-09-15. Review status: criteria provided, single submitter. Criteria: ACMG Guidelines, 2015. Collection method: clinical testing. Allele origin: germline. Affected: no.

NM_173630.4(RTTN):c.2255C>T (p.Pro752Leu)

Gene: RTTN (rotatin; minus strand). Cytogenetic location: 18q22.2.
Variant type: single nucleotide variant.
Coding change: c.2255C>T on transcript NM_173630.4 (MANE Select); coding-DNA position 2255, C replaced by T.
Protein change: p.Pro752Leu; replaces proline 752 with leucine.
Molecular consequence: missense variant. On other transcripts: 5 prime UTR variant (1).
Genome position (GRCh38, 1-based): chr18:70,148,955, G>A on the plus strand (C>T on the coding strand, the complement: RTTN is on the minus strand). VCF-style: chr18-70148955-G-A. GRCh37 (hg19) VCF-style: chr18-67816191-G-A.
Other names: c.-393C>T (NM_001318520.2); short protein forms P752L.
Identifiers: ClinVar variation 436600 (VCV000436600.14), dbSNP rs35424122, ClinGen allele CA8995940.